The following is an entry in ClinVar:

NM_001005242.3(PKP2):c.2358-1_2358delinsTT

Gene: PKP2 (plakophilin 2; minus strand). Cytogenetic location: 12p11.21.
Variant type: Indel.
Coding change: c.2358-1_2358delinsTT on transcript NM_001005242.3 (MANE Select); the canonical splice acceptor site of the intron before coding-DNA position 2358 through coding-DNA position 2358, GC replaced by TT.
Molecular consequence: splice acceptor variant.
Genome position (GRCh38, 1-based): chr12:32,792,731-32,792,732, GC replaced by AA on the plus strand (GC replaced by TT on the coding strand, the reverse complement: PKP2 is on the minus strand). VCF-style: chr12-32792731-GC-AA. GRCh37 (hg19) VCF-style: chr12-32945665-GC-AA.
Other names: c.2490-1_2490delinsTT (NM_004572.4).
Identifiers: ClinVar variation 936764 (VCV000936764.8), dbSNP rs1956082403, ClinGen allele CA1139662555.

ClinVar aggregate classification (germline): Likely pathogenic (1 of 4 stars; one submission).

Conditions:
Arrhythmogenic right ventricular dysplasia 9 (ARVD9). Also called: Arrhythmogenic Right Ventricular Dysplasia/Cardiomyopathy 9; ARRHYTHMOGENIC RIGHT VENTRICULAR DYSPLASIA, FAMILIAL, 9. Identifiers: MedGen C1836906, MONDO:0012180, OMIM 609040.

Submission:

Labcorp Genetics (formerly Invitae), Labcorp
Classification: Likely pathogenic for Arrhythmogenic right ventricular dysplasia 9. Last evaluated: 2019-09-08. Review status: criteria provided, single submitter. Criteria: Invitae Variant Classification Sherloc (09022015). Collection method: clinical testing. Allele origin: germline.
Comment: In summary, the currently available evidence indicates that the variant is pathogenic, but additional data are needed to prove that conclusively. Therefore, this variant has been classified as Likely Pathogenic. Donor and acceptor splice site variants typically lead to a loss of protein function (PMID: 16199547), and loss-of-function variants in PKP2 are known to be pathogenic (PMID: 15489853, 23911551). Algorithms developed to predict the effect of sequence changes on RNA splicing suggest that this variant may disrupt the consensus splice site, but this prediction has not been confirmed by published transcriptional studies. Disruption of this splice site has been observed in an individual affected with arrhythmogenic right ventricular cardiomyopathy (PMID: 15489853). This variant is not present in population databases (ExAC no frequency). This sequence change affects an acceptor splice site in intron 12 of the PKP2 gene. It is expected to disrupt RNA splicing and likely results in an absent or disrupted protein product.

Literature cited by the submitters: PubMed 16199547; PubMed 15489853; PubMed 23911551.